The following is an entry in ClinVar:

NM_020461.4(TUBGCP6):c.11T>G (p.Ile4Ser)

Gene: TUBGCP6 (tubulin gamma complex component 6; minus strand). Cytogenetic location: 22q13.33.
Variant type: single nucleotide variant.
Coding change: c.11T>G on transcript NM_020461.4 (MANE Select); coding-DNA position 11, T replaced by G.
Protein change: p.Ile4Ser; replaces isoleucine 4 with serine.
Molecular consequence: missense variant.
Genome position (GRCh38, 1-based): chr22:50,244,449, A>C on the plus strand (T>G on the coding strand, the complement: TUBGCP6 is on the minus strand). VCF-style: chr22-50244449-A-C. GRCh37 (hg19) VCF-style: chr22-50682878-A-C.
Other names: short protein forms I4S.
Identifiers: ClinVar variation 937219 (VCV000937219.10), dbSNP rs746603661, ClinGen allele CA10309145.
Genomic context (GRCh38, chr22:50,244,449, plus strand): 5'-CCCAGGTGAGTCTTGGCAGCCGGCAGGAGGGCCTCACACAGGTCGTCGAACAGCTGCGTG[A>C]TGCTGGCCATGCCCCTTCTCAGCTCCGGGCCCCCGGCGTGTGGGAAAACACCTCACCCGG-3'
Protein context (NP_065194.3, residues 1-14): MAS[Ile4Ser]TQLFDDLCEA

ClinVar aggregate classification (germline): Uncertain significance. Review status: criteria provided, multiple submitters, no conflicts (2 of 4 stars). 3 submissions from 3 submitters: Uncertain significance (3). Last evaluated 2025-11-23.

Conditions:
Inborn genetic diseases. Identifiers: MedGen C0950123, MeSH D030342.

Allele frequency attached by ClinVar (database versions not stated): gnomAD exomes 0.00002 and 0.00004; ExAC 0.00003; gnomAD 0.00003; TOPMed 0.00004.
gnomAD v4.1: 59 of 1,610,872 alleles (0.0037%); highest among the groups gnomAD compares: Non-Finnish European, 0.0046%; no homozygotes.

Submissions (3):

Ambry Genetics
Classification: Uncertain significance for Inborn genetic diseases. Last evaluated: 2025-11-23. Review status: criteria provided, single submitter. Criteria: Ambry Variant Classification Scheme 2023. Collection method: clinical testing. Allele origin: germline.

Labcorp Genetics (formerly Invitae), Labcorp
Classification: Uncertain significance. Last evaluated: 2024-12-02. Review status: criteria provided, single submitter. Criteria: Invitae Variant Classification Sherloc (09022015). Collection method: clinical testing. Allele origin: germline.
Comment: This sequence change replaces isoleucine, which is neutral and non-polar, with serine, which is neutral and polar, at codon 4 of the TUBGCP6 protein (p.Ile4Ser). This variant is present in population databases (rs746603661, gnomAD 0.004%). This variant has not been reported in the literature in individuals affected with TUBGCP6-related conditions. ClinVar contains an entry for this variant (Variation ID: 937219). An algorithm developed to predict the effect of missense changes on protein structure and function (PolyPhen-2) suggests that this variant¬†is likely to be tolerated. In summary, the available evidence is currently insufficient to determine the role of this variant in disease. Therefore, it has been classified as a Variant of Uncertain Significance.

Blueprint Genetics
Classification: Uncertain significance. Last evaluated: 2024-01-08. Review status: criteria provided, single submitter. Criteria: ACMG Guidelines, 2015. Collection method: clinical testing. Allele origin: germline.